The following is an entry in ClinVar:

ClinVar aggregate classification (germline): Uncertain significance (0 of 4 stars; one submission).

Conditions:
CACNA1A-related disorder. Also called: CACNA1A-related condition.

Allele frequency attached by ClinVar (database versions not stated): gnomAD exomes below 0.00001; TOPMed below 0.00001.
gnomAD v4.1: 6 of 1,437,180 alleles (0.00042%); highest among the groups gnomAD compares: Non-Finnish European, 0.00055%; no homozygotes.

Submission:

PreventionGenetics, part of Exact Sciences
Classification: Uncertain significance for CACNA1A-related condition. Last evaluated: 2023-12-29. Review status: no assertion criteria provided. Collection method: clinical testing. Allele origin: germline.
Comment: The CACNA1A c.7310C>A variant is predicted to result in the amino acid substitution p.Pro2437Gln. To our knowledge, this variant has not been reported in the literature or in a large population database, indicating this variant is rare. At this time, the clinical significance of this variant is uncertain due to the absence of conclusive functional and genetic evidence.

NM_001127222.2(CACNA1A):c.7310C>A (p.Pro2437Gln)

Gene: CACNA1A (calcium voltage-gated channel subunit alpha1 A; minus strand). Cytogenetic location: 19p13.13.
Variant type: single nucleotide variant.
Coding change: c.7310C>A on transcript NM_001127222.2 (MANE Select); coding-DNA position 7310, C replaced by A.
Protein change: p.Pro2437Gln; replaces proline 2437 with glutamine.
Molecular consequence: missense variant. On other transcripts: 3 prime UTR variant (3).
Genome position (GRCh38, 1-based): chr19:13,207,524, G>T on the plus strand (C>A on the coding strand, the complement: CACNA1A is on the minus strand). VCF-style: chr19-13207524-G-T. GRCh37 (hg19) VCF-style: chr19-13318338-G-T.
Other names: c.*522C>A (NM_000068.4, NM_001127221.2, NM_001174080.2); c.7328C>A, p.Pro2443Gln (NM_023035.3); short protein forms P2437Q, P2443Q.
Identifiers: ClinVar variation 3044623 (VCV003044623.2), dbSNP rs2054611465, ClinGen allele CA404327265.